The following is an entry in ClinVar:

NM_006030.4(CACNA2D2):c.1895G>A (p.Ser632Asn)

Gene: CACNA2D2 (calcium voltage-gated channel auxiliary subunit alpha2delta 2; minus strand). Cytogenetic location: 3p21.31.
Variant type: single nucleotide variant.
Coding change: c.1895G>A on transcript NM_006030.4 (MANE Select); coding-DNA position 1895, G replaced by A.
Protein change: p.Ser632Asn; replaces serine 632 with asparagine.
Molecular consequence: missense variant.
Genome position (GRCh38, 1-based): chr3:50,375,656, C>T on the plus strand (G>A on the coding strand, the complement: CACNA2D2 is on the minus strand). VCF-style: chr3-50375656-C-T. GRCh37 (hg19) VCF-style: chr3-50413087-C-T.
Other names: c.1895G>A, p.Ser632Asn (NM_001005505.3, NM_001174051.3); c.1688G>A, p.Ser563Asn (NM_001291101.1); short protein forms S563N, S632N.
Identifiers: ClinVar variation 1002001 (VCV001002001.4), dbSNP rs1172417254, ClinGen allele CA352923485.

ClinVar aggregate classification (germline): Uncertain significance. Review status: criteria provided, multiple submitters, no conflicts (2 of 4 stars). 2 submissions from 2 submitters: Uncertain significance (2). Last evaluated 2022-06-27.

Conditions:
Developmental and epileptic encephalopathy. Identifiers: MedGen C5779964, MONDO:0100620.

Allele frequency attached by ClinVar (database versions not stated): gnomAD exomes below 0.00001; TOPMed 0.00002.
gnomAD v4.1: 1 of 1,613,126 alleles (0.000062%); highest among the groups gnomAD compares: Admixed American, 0.0017%; no homozygotes.

Submissions (2):

Labcorp Genetics (formerly Invitae), Labcorp
Classification: Uncertain significance for Early-infantile DEE. Last evaluated: 2022-06-27. Review status: criteria provided, single submitter. Criteria: Invitae Variant Classification Sherloc (09022015). Collection method: clinical testing. Allele origin: germline.
Comment: This sequence change replaces serine, which is neutral and polar, with asparagine, which is neutral and polar, at codon 632 of the CACNA2D2 protein (p.Ser632Asn). This variant is not present in population databases (gnomAD no frequency). This variant has not been reported in the literature in individuals affected with CACNA2D2-related conditions. ClinVar contains an entry for this variant (Variation ID: 1002001). Algorithms developed to predict the effect of missense changes on protein structure and function (SIFT, PolyPhen-2, Align-GVGD) all suggest that this variant is likely to be tolerated. In summary, the available evidence is currently insufficient to determine the role of this variant in disease. Therefore, it has been classified as a Variant of Uncertain Significance.

Breakthrough Genomics
Classification: Uncertain significance. Review status: criteria provided, single submitter. Criteria: ACMG Guidelines, 2015. Collection method: not provided. Allele origin: germline. Inheritance: Autosomal recessive inheritance. Affected: yes.